The following is an entry in ClinVar:

ClinVar aggregate classification (germline): Uncertain significance (1 of 4 stars; one submission).

gnomAD v4.1: 3 of 1,250,734 alleles (0.00024%); highest among the groups gnomAD compares: Non-Finnish European, 0.0003%; no homozygotes.

Submission:

GeneDx
Classification: Uncertain significance. Last evaluated: 2026-09-09. Review status: criteria provided, single submitter. Criteria: GeneDx Variant Classification Process June 2021. Collection method: clinical testing. Allele origin: germline.
Comment: Not observed at significant frequency in large population cohorts (gnomAD); In silico analysis supports that this missense variant has a deleterious effect on protein structure/function; Has not been previously published as pathogenic or benign to our knowledge

NM_001256715.2(DNAAF3):c.467T>C (p.Leu156Pro)

Genes: DNAAF3 (dynein axonemal assembly factor 3; minus strand), DNAAF3-AS1 (DNAAF3 antisense RNA 1; plus strand). Cytogenetic location: 19q13.42.
Variant type: single nucleotide variant.
Coding change: c.467T>C on transcript NM_001256715.2 (MANE Select); coding-DNA position 467, T replaced by C.
Protein change: p.Leu156Pro; replaces leucine 156 with proline.
Molecular consequence: missense variant.
Genome position (GRCh38, 1-based): chr19:55,162,146, A>G on the plus strand (T>C on the coding strand, the complement: DNAAF3 is on the minus strand). VCF-style: chr19-55162146-A-G. GRCh37 (hg19) VCF-style: chr19-55673514-A-G.
Other names: c.671T>C, p.Leu224Pro (NM_001256714.1); c.305T>C, p.Leu102Pro (NM_001256716.2); c.608T>C, p.Leu203Pro (NM_178837.4); short protein forms L102P, L156P, L203P, L224P.
Identifiers: ClinVar variation 3908062 (VCV003908062.2).